The following is an entry in ClinVar:

NM_138395.4(MARS2):c.745G>A (p.Glu249Lys)

Gene: MARS2 (methionyl-tRNA synthetase 2, mitochondrial; plus strand). Cytogenetic location: 2q33.1.
Variant type: single nucleotide variant.
Coding change: c.745G>A on transcript NM_138395.4 (MANE Select); coding-DNA position 745, G replaced by A.
Protein change: p.Glu249Lys; replaces glutamic acid 249 with lysine.
Molecular consequence: missense variant.
Genome position (GRCh38, 1-based): chr2:197,706,150, G>A. VCF-style: chr2-197706150-G-A. GRCh37 (hg19) VCF-style: chr2-198570874-G-A.
Other names: c.745G>A (NM_138395.3); short protein forms E249K.
Identifiers: ClinVar variation 2190815 (VCV002190815.5), dbSNP rs763707988, ClinGen allele CA2044631.

ClinVar aggregate classification (germline): Uncertain significance. Review status: criteria provided, multiple submitters, no conflicts (2 of 4 stars). 2 submissions from 2 submitters: Uncertain significance (2). Last evaluated 2025-02-10.

Allele frequency attached by ClinVar (database versions not stated): TOPMed below 0.00001; ExAC 0.00001; gnomAD 0.00001.

Submissions (2):

Labcorp Genetics (formerly Invitae), Labcorp
Classification: Uncertain significance. Last evaluated: 2025-02-10. Review status: criteria provided, single submitter. Criteria: Invitae Variant Classification Sherloc (09022015). Collection method: clinical testing. Allele origin: germline.
Comment: This sequence change replaces glutamic acid, which is acidic and polar, with lysine, which is basic and polar, at codon 249 of the MARS2 protein (p.Glu249Lys). This variant is present in population databases (rs763707988, gnomAD 0.006%). This variant has not been reported in the literature in individuals affected with MARS2-related conditions. ClinVar contains an entry for this variant (Variation ID: 2190815). Invitae Evidence Modeling of protein sequence and biophysical properties (such as structural, functional, and spatial information, amino acid conservation, physicochemical variation, residue mobility, and thermodynamic stability) indicates that this missense variant is not expected to disrupt MARS2 protein function with a negative predictive value of 80%. In summary, the available evidence is currently insufficient to determine the role of this variant in disease. Therefore, it has been classified as a Variant of Uncertain Significance.

Ambry Genetics
Classification: Uncertain significance. Last evaluated: 2024-03-07. Review status: criteria provided, single submitter. Criteria: Ambry Variant Classification Scheme 2023. Collection method: clinical testing. Allele origin: germline.